The following is an entry in ClinVar:

ClinVar aggregate classification (germline): Likely pathogenic (1 of 4 stars; one submission).

Submission:

Labcorp Genetics (formerly Invitae), Labcorp
Classification: Likely pathogenic. Last evaluated: 2024-06-05. Review status: criteria provided, single submitter. Criteria: Invitae Variant Classification Sherloc (09022015). Collection method: clinical testing. Allele origin: germline.
Comment: This sequence change affects a donor splice site in intron 39 of the ABCA4 gene. It is expected to disrupt RNA splicing. Variants that disrupt the donor or acceptor splice site typically lead to a loss of protein function (PMID: 16199547), and loss-of-function variants in ABCA4 are known to be pathogenic (PMID: 10958761, 24938718, 25312043, 26780318). This variant is not present in population databases (gnomAD no frequency). This variant has not been reported in the literature in individuals affected with ABCA4-related conditions. ClinVar contains an entry for this variant (Variation ID: 1066033). Algorithms developed to predict the effect of sequence changes on RNA splicing suggest that this variant may disrupt the consensus splice site. In summary, the currently available evidence indicates that the variant is pathogenic, but additional data are needed to prove that conclusively. Therefore, this variant has been classified as Likely Pathogenic.

Literature cited by the submitters: PubMed 16199547; PubMed 10958761; PubMed 24938718; PubMed 25312043; PubMed 26780318.

NM_000350.3(ABCA4):c.5584+2T>C

Gene: ABCA4 (ATP binding cassette subfamily A member 4; minus strand). Cytogenetic location: 1p22.1.
Variant type: single nucleotide variant.
Coding change: c.5584+2T>C on transcript NM_000350.3 (MANE Select); the canonical splice donor site of the intron after coding-DNA position 5584, T replaced by C.
Molecular consequence: splice donor variant.
Genome position (GRCh38, 1-based): chr1:94,011,260, A>G on the plus strand (T>C on the coding strand, the complement: ABCA4 is on the minus strand). VCF-style: chr1-94011260-A-G. GRCh37 (hg19) VCF-style: chr1-94476816-A-G.
Identifiers: ClinVar variation 1066033 (VCV001066033.7), dbSNP rs2101008251, ClinGen allele CA341280964.